The following is an entry in ClinVar:

NM_001080453.3(INTS1):c.3943C>T (p.Arg1315Cys)

Gene: INTS1 (integrator complex subunit 1; minus strand). Cytogenetic location: 7p22.3.
Variant type: single nucleotide variant.
Coding change: c.3943C>T on transcript NM_001080453.3 (MANE Select); coding-DNA position 3943, C replaced by T.
Protein change: p.Arg1315Cys; replaces arginine 1315 with cysteine.
Molecular consequence: missense variant.
Genome position (GRCh38, 1-based): chr7:1,480,841, G>A on the plus strand (C>T on the coding strand, the complement: INTS1 is on the minus strand). VCF-style: chr7-1480841-G-A. GRCh37 (hg19) VCF-style: chr7-1520477-G-A.
Other names: short protein forms R1315C.
Identifiers: ClinVar variation 1309257 (VCV001309257.6), dbSNP rs555209299, ClinGen allele CA4119033.

ClinVar aggregate classification (germline): Uncertain significance. Review status: criteria provided, multiple submitters, no conflicts (2 of 4 stars). 2 submissions from 2 submitters: Uncertain significance (2). Last evaluated 2025-04-14.

Conditions:
Inborn genetic diseases. Identifiers: MedGen C0950123, MeSH D030342.

Allele frequency attached by ClinVar (database versions not stated): gnomAD exomes 0.00012; ExAC 0.00020; 1000 Genomes Project 0.00020; 1000 Genomes Project 30x 0.00031.
gnomAD v4.1: 255 of 1,551,508 alleles (0.016%); highest among the groups gnomAD compares: African/African-American, 0.048%; no homozygotes.

Submissions (2):

GeneDx
Classification: Uncertain significance. Last evaluated: 2025-04-14. Review status: criteria provided, single submitter. Criteria: GeneDx Variant Classification Process June 2021. Collection method: clinical testing. Allele origin: germline. Affected: yes.
Comment: Has not been previously published as pathogenic or benign to our knowledge; In silico analysis indicates that this missense variant does not alter protein structure/function

Ambry Genetics
Classification: Uncertain significance for Inborn genetic diseases. Last evaluated: 2024-03-25. Review status: criteria provided, single submitter. Criteria: Ambry Variant Classification Scheme 2023. Collection method: clinical testing. Allele origin: germline.